The following is an entry in ClinVar:

ClinVar aggregate classification (germline): Uncertain significance (1 of 4 stars; one submission).

Conditions:
Combined immunodeficiency due to LRBA deficiency. Also called: Common variable immunodeficiency 8, with autoimmunity. Identifiers: Orphanet 445018, MedGen C3553512, MONDO:0013863, OMIM 614700.

Allele frequency attached by ClinVar (database versions not stated): gnomAD exomes below 0.00001.
gnomAD v4.1: 6 of 1,578,502 alleles (0.00038%); highest among the groups gnomAD compares: Non-Finnish European, 0.00051%; no homozygotes.

Submission:

Labcorp Genetics (formerly Invitae), Labcorp
Classification: Uncertain significance for Combined immunodeficiency due to LRBA deficiency. Last evaluated: 2022-08-31. Review status: criteria provided, single submitter. Criteria: Invitae Variant Classification Sherloc (09022015). Collection method: clinical testing. Allele origin: germline.
Comment: This sequence change replaces glutamic acid, which is acidic and polar, with lysine, which is basic and polar, at codon 1388 of the LRBA protein (p.Glu1388Lys). In summary, the available evidence is currently insufficient to determine the role of this variant in disease. Therefore, it has been classified as a Variant of Uncertain Significance. Algorithms developed to predict the effect of missense changes on protein structure and function are either unavailable or do not agree on the potential impact of this missense change (SIFT: "Tolerated"; PolyPhen-2: "Probably Damaging"; Align-GVGD: "Class C0"). ClinVar contains an entry for this variant (Variation ID: 971096). This variant has not been reported in the literature in individuals affected with LRBA-related conditions. This variant is not present in population databases (gnomAD no frequency).

NM_001364905.1(LRBA):c.4162G>A (p.Glu1388Lys)

Gene: LRBA (LPS responsive beige-like anchor protein; minus strand). Cytogenetic location: 4q31.3.
Variant type: single nucleotide variant.
Coding change: c.4162G>A on transcript NM_001364905.1 (MANE Select); coding-DNA position 4162, G replaced by A.
Protein change: p.Glu1388Lys; replaces glutamic acid 1388 with lysine.
Molecular consequence: missense variant.
Genome position (GRCh38, 1-based): chr4:150,848,995, C>T on the plus strand (G>A on the coding strand, the complement: LRBA is on the minus strand). VCF-style: chr4-150848995-C-T. GRCh37 (hg19) VCF-style: chr4-151770147-C-T.
Other names: c.4162G>A, p.Glu1388Lys (NM_001199282.3, NM_001367550.1, NM_006726.5); short protein forms E1388K.
Identifiers: ClinVar variation 971096 (VCV000971096.10), dbSNP rs1750245138, ClinGen allele CA358453620.